The following is an entry in ClinVar:

NM_003079.5(SMARCE1):c.997_999delinsGAC (p.Lys333Asp)

Gene: SMARCE1 (SWI/SNF related BAF chromatin remodeling complex subunit E1; minus strand). Cytogenetic location: 17q21.2.
Variant type: Indel.
Coding change: c.997_999delinsGAC on transcript NM_003079.5 (MANE Select); coding-DNA positions 997 to 999, AAA replaced by GAC.
Protein change: p.Lys333Asp; replaces lysine 333 with aspartic acid.
Molecular consequence: missense variant.
Genome position (GRCh38, 1-based): chr17:40,630,742-40,630,744, TTT replaced by GTC on the plus strand (AAA replaced by GAC on the coding strand, the reverse complement: SMARCE1 is on the minus strand). VCF-style: chr17-40630742-TTT-GTC. GRCh37 (hg19) VCF-style: chr17-38786994-TTT-GTC.
Other names: short protein forms K333D.
Identifiers: ClinVar variation 1768776 (VCV001768776.2), dbSNP rs2508595819, ClinGen allele CA2580093682.

ClinVar aggregate classification (germline): Uncertain significance (1 of 4 stars; one submission).

Conditions:
Hereditary cancer-predisposing syndrome. Also called: Hereditary Cancer Syndrome; Hereditary neoplastic syndrome; Neoplastic Syndromes, Hereditary; Tumor predisposition. Identifiers: Orphanet 140162, MedGen C0027672, MeSH D009386, MONDO:0015356.

Submission:

Ambry Genetics
Classification: Uncertain significance for Hereditary cancer-predisposing syndrome. Last evaluated: 2022-08-30. Review status: criteria provided, single submitter. Criteria: Ambry Variant Classification Scheme 2023. Collection method: clinical testing. Allele origin: germline.
Comment: The c.997_999delAAAinsGAC variant (also known as p.K333D), located in coding exon 9 of the SMARCE1 gene, results from an in-frame deletion of AAA and insertion of GAC at nucleotide positions 997 to 999. This results in the substitution of the lysine residue for an aspartic acid residue at codon 333, an amino acid with dissimilar properties. This amino acid position is highly conserved in available vertebrate species. Missense and in-frame variants in SMARCE1 are known to cause neurodevelopmental disorders; however, such associations with increased risk of meningiomas are exceedingly rare (Kosho T et al. Am J Med Genet C Semin Med Genet. 2014 Sep;166C(3):262-75; Smith JM et al. Nat Genet. 2013 Mar;45(3):295-8). Since supporting evidence is limited at this time, the clinical significance of this alteration remains unclear.